The following is an entry in ClinVar:

ClinVar aggregate classification (germline): Conflicting classifications of pathogenicity. Review status: criteria provided, conflicting classifications (1 of 4 stars). 3 submissions from 3 submitters: Uncertain significance (1); Benign (1); Likely benign (1). Last evaluated 2026-08-10.

Conditions:
ROBO3-related disorder. Also called: ROBO3-related condition.
Gaze palsy, familial horizontal, with progressive scoliosis 1 (HGPPS1). Identifiers: Orphanet 2744, MedGen C4551964, MONDO:0020790, OMIM 607313.

Allele frequency attached by ClinVar (database versions not stated): ESP Exome Variant Server 0.00073; 1000 Genomes Project 0.00100; gnomAD 0.00105; 1000 Genomes Project 30x 0.00125; TOPMed 0.00126.

Submissions (3):

PreventionGenetics, part of Exact Sciences
Classification: Likely benign for ROBO3-related condition. Last evaluated: 2026-08-10. Review status: criteria provided, single submitter. Criteria: ACMG Guidelines, 2015. Collection method: clinical testing. Allele origin: germline.
Comment: This variant is classified as likely benign based on ACMG/AMP sequence variant interpretation guidelines (Richards et al. 2015 PMID: 25741868, with internal and published modifications).

Illumina Laboratory Services, Illumina
Classification: Uncertain significance for Gaze palsy, familial horizontal, with progressive scoliosis 1. Last evaluated: 2018-01-13. Review status: criteria provided, single submitter. Criteria: ICSL Variant Classification Criteria 13 December 2019. Collection method: clinical testing. Allele origin: germline.

Labcorp Genetics (formerly Invitae), Labcorp
Classification: Benign. Last evaluated: 2018-01-08. Review status: criteria provided, single submitter. Criteria: Invitae Variant Classification Sherloc (09022015). Collection method: clinical testing. Allele origin: germline.

NM_022370.4(ROBO3):c.3525G>A (p.Gln1175=)

Gene: ROBO3 (roundabout guidance receptor 3; plus strand). Cytogenetic location: 11q24.2.
Variant type: single nucleotide variant.
Coding change: c.3525G>A on transcript NM_022370.4 (MANE Select); coding-DNA position 3525, G replaced by A.
Protein change: p.Gln1175=; no amino-acid change (glutamine 1175 retained).
Molecular consequence: synonymous variant. On other transcripts: non-coding transcript variant (5).
Genome position (GRCh38, 1-based): chr11:124,878,788, G>A. VCF-style: chr11-124878788-G-A. GRCh37 (hg19) VCF-style: chr11-124748684-G-A.
Other names: c.672G>A, p.Gln224= (NM_001370356.1, NM_001370357.1, NM_001370358.1 and 2 more transcripts); c.477G>A, p.Gln159= (NM_001370364.1, NM_001370366.1).
Identifiers: ClinVar variation 732988 (VCV000732988.8), dbSNP rs199650068, ClinGen allele CA6344172.